The following is an entry in ClinVar:

ClinVar aggregate classification (germline): Uncertain significance (0 of 4 stars; one submission).

Conditions:
KIDINS220-related disorder. Also called: KIDINS220-related condition.

gnomAD v4.1: 60 of 1,599,154 alleles (0.0038%); highest among the groups gnomAD compares: Non-Finnish European, 0.0038%; no homozygotes.

Submission:

PreventionGenetics, part of Exact Sciences
Classification: Uncertain significance for KIDINS220-related condition. Last evaluated: 2024-05-02. Review status: no assertion criteria provided. Collection method: clinical testing. Allele origin: germline.
Comment: The KIDINS220 c.462T>A variant is predicted to result in the amino acid substitution p.His154Gln. To our knowledge, this variant has not been reported in the literature. This variant is reported in 0.028% of alleles in individuals of European (Finnish) descent in gnomAD. At this time, the clinical significance of this variant is uncertain due to the absence of conclusive functional and genetic evidence.

NM_020738.4(KIDINS220):c.462T>A (p.His154Gln)

Gene: KIDINS220 (kinase D interacting substrate 220; minus strand). Cytogenetic location: 2p25.1.
Variant type: single nucleotide variant.
Coding change: c.462T>A on transcript NM_020738.4 (MANE Select); coding-DNA position 462, T replaced by A.
Protein change: p.His154Gln; replaces histidine 154 with glutamine.
Molecular consequence: missense variant. On other transcripts: non-coding transcript variant (2).
Genome position (GRCh38, 1-based): chr2:8,812,437, A>T on the plus strand (T>A on the coding strand, the complement: KIDINS220 is on the minus strand). VCF-style: chr2-8812437-A-T. GRCh37 (hg19) VCF-style: chr2-8952567-A-T.
Other names: c.465T>A, p.His155Gln (NM_001348729.2, NM_001348731.2, NM_001348734.2 and 3 more transcripts); c.462T>A, p.His154Gln (NM_001348732.2, NM_001348735.2, NM_001348738.2 and 3 more transcripts); c.336T>A, p.His112Gln (NM_001348736.2); short protein forms H112Q, H154Q, H155Q.
Identifiers: ClinVar variation 3357595 (VCV003357595.1).